The following is an entry in ClinVar:

NM_000038.6(APC):c.1548+11A>G

Gene: APC (APC regulator of Wnt signaling pathway; plus strand). Cytogenetic location: 5q22.2.
Variant type: single nucleotide variant.
Coding change: c.1548+11A>G on transcript NM_000038.6 (MANE Select); 11 bases into the intron after coding-DNA position 1548, A replaced by G.
Molecular consequence: intron variant.
Genome position (GRCh38, 1-based): chr5:112,827,258, A>G. VCF-style: chr5-112827258-A-G. GRCh37 (hg19) VCF-style: chr5-112162955-A-G.
Other names: c.1548+11A>G (NM_001354895.2, NM_001127510.3); c.1578+11A>G (NM_001354897.2); c.1275+11A>G (NM_001354902.2); c.1494+11A>G (NM_001127511.3); c.1473+11A>G (NM_001354898.2); c.1170+11A>G (NM_001354904.2); c.699+11A>G (NM_001354906.2); c.1602+11A>G (NM_001354896.2); and 5 more.
Identifiers: ClinVar variation 382851 (VCV000382851.5), dbSNP rs1057521473, ClinGen allele CA16604765.

ClinVar aggregate classification (germline): Likely benign. Review status: criteria provided, multiple submitters, no conflicts (2 of 4 stars). 3 submissions from 3 submitters: Likely benign (3). Last evaluated 2024-02-06.

Conditions:
Familial adenomatous polyposis 1 (FAP1). Also called: POLYPOSIS, ADENOMATOUS INTESTINAL; FAMILIAL ADENOMATOUS POLYPOSIS 1, ATTENUATED. Identifiers: MedGen C2713442, MONDO:0021056, OMIM 175100. Disease mechanism: loss of function.
Desmoid disease, hereditary (DESMD). Also called: FIBROMATOSIS, FAMILIAL INFILTRATIVE. Identifiers: Orphanet 873, MedGen C1851124, OMIM 135290. Disease mechanism: loss of function.
Gastric cancer. Also called: Malignant tumor of stomach; Stomach cancer. Identifiers: MedGen C0024623, MeSH D013274, MONDO:0001056, OMIM 613659, HP:0012126.
Colorectal cancer. Also called: Malignant Colorectal Neoplasm; Colorectal cancer, somatic. Identifiers: MedGen C0346629, MONDO:0005575, OMIM 114500.
Hepatocellular carcinoma (HCC). Also called: Primary carcinoma of liver; HEPATOMA; LIVER CELL CARCINOMA. Identifiers: Orphanet 88673, MedGen C2239176, MONDO:0007256, OMIM 114550, HP:0001402.
Gastric adenocarcinoma and proximal polyposis of the stomach (GAPPS). Also called: POLYPOSIS, GASTRIC; Polyposis, gastric, Dos Santos and de Magalhaes 1980; Gastric Adenocarcinoma and Proximal Polyposis of the Stomach (GAPPS). Identifiers: Orphanet 314022, MedGen C4749917, MONDO:0017790, OMIM 619182.

Allele frequency attached by ClinVar (database versions not stated): gnomAD exomes below 0.00001; gnomAD 0.00001.
gnomAD v4.1: 4 of 1,613,534 alleles (0.00025%); highest among the groups gnomAD compares: African/African-American, 0.0013%; no homozygotes.

Submissions (3):

Labcorp Genetics (formerly Invitae), Labcorp
Classification: Likely benign for Familial adenomatous polyposis 1. Last evaluated: 2024-02-06. Review status: criteria provided, single submitter. Criteria: Invitae Variant Classification Sherloc (09022015). Collection method: clinical testing. Allele origin: germline.

Department of Pathology and Laboratory Medicine, Sinai Health System
Classification: Likely benign for Colorectal cancer; Hepatocellular carcinoma; Desmoid disease, hereditary; Familial adenomatous polyposis 1; Gastric cancer; Gastric adenocarcinoma and proximal polyposis of the stomach. Last evaluated: 2020-11-10. Review status: criteria provided, single submitter. Criteria: ACMG Guidelines, 2015. Collection method: clinical testing. Allele origin: germline. Affected: yes.

GeneDx
Classification: Likely benign. Last evaluated: 2016-01-04. Review status: criteria provided, single submitter. Criteria: GeneDx Variant Classification (06012015). Collection method: clinical testing. Allele origin: germline. Affected: yes.
Comment: This variant is considered likely benign or benign based on one or more of the following criteria: it is a conservative change, it occurs at a poorly conserved position in the protein, it is predicted to be benign by multiple in silico algorithms, and/or has population frequency not consistent with disease.